The following is an entry in ClinVar:

NM_000077.5(CDKN2A):c.343G>A (p.Val115Met)

Gene: CDKN2A (cyclin dependent kinase inhibitor 2A; minus strand). Cytogenetic location: 9p21.3.
Variant type: single nucleotide variant.
Coding change: c.343G>A on transcript NM_000077.5; coding-DNA position 343, G replaced by A.
Protein change: p.Val115Met; replaces valine 115 with methionine.
Molecular consequence: missense variant (on NM_000077.6). On other transcripts: 3 prime UTR variant (1).
Genome position (GRCh38, 1-based): chr9:21,971,016, C>T on the plus strand (G>A on the coding strand, the complement: CDKN2A is on the minus strand). VCF-style: chr9-21971016-C-T. GRCh37 (hg19) VCF-style: chr9-21971015-C-T.
Other names: c.343G>A, p.Val115Met (NM_000077.6, NM_001195132.2); c.190G>A, p.Val64Met (NM_001363763.2); c.386G>A, p.Arg129His (NM_058195.4); c.*266G>A (NM_058197.5); short protein forms V64M, R129H, V115M.
Identifiers: ClinVar variation 1469323 (VCV001469323.8), dbSNP rs779913365, ClinGen allele CA5012178.
Genomic context (GRCh38, chr9:21,971,016, plus strand): 5'-CCGCAGCCGCGCGCAGGTACCGTGCGACATCGCGATGGCCCAGCTCCTCAGCCAGGTCCA[C>T]GGGCAGACGGCCCCAGGCATCGCGCACGTCCAGCCGCGCCCCGGCCCGGTGCAGCACCAC-3'
Protein context (NP_000068.1, residues 105-125): DVRDAWGRLP[Val115Met]DLAEELGHRD

ClinVar aggregate classification (germline): Uncertain significance. Review status: criteria provided, multiple submitters, no conflicts (2 of 4 stars). 2 submissions from 2 submitters: Uncertain significance (2). Last evaluated 2023-09-15.

Conditions:
Familial melanoma. Also called: Hereditary melanoma; Hereditary cutaneous melanoma. Identifiers: Orphanet 618, MedGen C1512419, MONDO:0018961.
Hereditary cancer-predisposing syndrome. Also called: Tumor predisposition; Hereditary neoplastic syndrome; Neoplastic Syndromes, Hereditary; Hereditary Cancer Syndrome. Identifiers: Orphanet 140162, MedGen C0027672, MeSH D009386, MONDO:0015356.

Allele frequency attached by ClinVar (database versions not stated): ExAC 0.00002.
gnomAD v4.1: 3 of 1,607,766 alleles (0.00019%); highest among the groups gnomAD compares: East Asian, 0.0067%; no homozygotes.

Submissions (2):

Ambry Genetics
Classification: Uncertain significance for Hereditary cancer-predisposing syndrome. Last evaluated: 2023-09-15. Review status: criteria provided, single submitter. Criteria: Ambry Variant Classification Scheme 2023. Collection method: clinical testing. Allele origin: germline.
Comment: The p.V115M variant (also known as c.343G>A), located in coding exon 2 of the CDKN2A gene, results from a G to A substitution at nucleotide position 343. The valine at codon 115 is replaced by methionine, an amino acid with highly similar properties. This amino acid position is not well conserved in available vertebrate species. In addition, this alteration is predicted to be tolerated by in silico analysis. Since supporting evidence is limited at this time, the clinical significance of this alteration remains unclear.

Labcorp Genetics (formerly Invitae), Labcorp
Classification: Uncertain significance for Familial melanoma. Last evaluated: 2023-08-17. Review status: criteria provided, single submitter. Criteria: Invitae Variant Classification Sherloc (09022015). Collection method: clinical testing. Allele origin: germline.
Comment: This sequence change replaces valine, which is neutral and non-polar, with methionine, which is neutral and non-polar, at codon 115 of the CDKN2A (p16INK4a) protein (p.Val115Met). The CDKN2A gene encodes two different proteins, p16INK4a and p14ARF, which are translated from alternative transcripts with different open reading frames. Both transcripts have been analyzed. We report either the variant with the higher classification or default to the CDKN2A (p16INK4a) variant. This report therefore includes the details for the CDKN2A (p16INK4a) variant. This variant has not been reported in the literature in individuals affected with CDKN2A (p16INK4a)-related conditions. This variant is also known as c.386G>A (p.Arg129His) in the CDKN2A (p14ARF) transcript. ClinVar contains an entry for this variant (Variation ID: 1469323). An algorithm developed to predict the effect of missense changes on protein structure and function (PolyPhen-2) suggests that this variant is likely to be disruptive. In summary, the available evidence is currently insufficient to determine the role of this variant in disease. Therefore, it has been classified as a Variant of Uncertain Significance. The frequency data for this variant in the population databases is considered unreliable, as metrics indicate poor data quality at this position in the gnomAD database.